The following is an entry in ClinVar:

ClinVar aggregate classification (germline): Conflicting classifications of pathogenicity. Review status: criteria provided, conflicting classifications (1 of 4 stars). 5 submissions from 5 submitters: Uncertain significance (4); Likely benign (1). Last evaluated 2026-09-02.

Conditions:
OTOF-related disorder. Also called: OTOF-related condition.
Inborn genetic diseases. Identifiers: MedGen C0950123, MeSH D030342.

Allele frequency attached by ClinVar (database versions not stated): gnomAD exomes 0.00006 and 0.00013; 1000 Genomes Project 30x 0.00016; ExAC 0.00018; 1000 Genomes Project 0.00020; gnomAD 0.00035 and 0.00040; TOPMed 0.00047; ESP Exome Variant Server 0.00054.

Submissions (5):

PreventionGenetics, part of Exact Sciences
Classification: Uncertain significance for OTOF-related condition. Last evaluated: 2026-09-02. Review status: criteria provided, single submitter. Criteria: ACMG Guidelines, 2015. Collection method: clinical testing. Allele origin: germline.
Comment: The OTOF c.2650G>A variant is predicted to result in the amino acid substitution p.Ala884Thr. To our knowledge, this variant has not been reported in the literature. This variant is reported in 0.13% of alleles in individuals of African descent in gnomAD. Although we suspect that this variant may be benign, at this time, the clinical significance of this variant is uncertain due to the absence of conclusive functional and genetic evidence.

Labcorp Genetics (formerly Invitae), Labcorp
Classification: Likely benign. Last evaluated: 2026-01-26. Review status: criteria provided, single submitter. Criteria: Invitae Variant Classification Sherloc (09022015). Collection method: clinical testing. Allele origin: germline.

Ambry Genetics
Classification: Uncertain significance for Inborn genetic diseases. Last evaluated: 2025-12-11. Review status: criteria provided, single submitter. Criteria: Ambry Variant Classification Scheme 2023. Collection method: clinical testing. Allele origin: germline.

Blueprint Genetics
Classification: Uncertain significance. Last evaluated: 2024-08-06. Review status: criteria provided, single submitter. Criteria: ACMG Guidelines, 2015. Collection method: clinical testing. Allele origin: germline.

Laboratory for Molecular Medicine, Mass General Brigham Personalized Medicine
Classification: Uncertain significance. Last evaluated: 2013-01-29. Review status: criteria provided, single submitter. Criteria: LMM Criteria. Collection method: clinical testing. Allele origin: germline. Observed: 2 variant alleles.
Comment: The Ala884Thr variant in OTOF has not been reported in the literature nor previo usly identified by our laboratory. Computational analyses (biochemical amino aci d properties, conservation, AlignGVGD, PolyPhen2, and SIFT) do not provide stron g support for or against an impact to the protein. This variant has been identif ied in 0.16% (7/4394) of African American chromosomes in a broad population by t he NHLBI Exome sequencing project (dbSNP rs14 4594692). Although this variant has been seen in the general population, its fre quency is not high enough to rule out a pathogenic role. Additional data is need ed to determine the clinical significance of this variant.

NM_194248.3(OTOF):c.2650G>A (p.Ala884Thr)

Gene: OTOF (otoferlin; minus strand). Cytogenetic location: 2p23.3.
Variant type: single nucleotide variant.
Coding change: c.2650G>A on transcript NM_194248.3 (MANE Select); coding-DNA position 2650, G replaced by A.
Protein change: p.Ala884Thr; replaces alanine 884 with threonine.
Molecular consequence: missense variant.
Genome position (GRCh38, 1-based): chr2:26,476,917, C>T on the plus strand (G>A on the coding strand, the complement: OTOF is on the minus strand). VCF-style: chr2-26476917-C-T. GRCh37 (hg19) VCF-style: chr2-26699785-C-T.
Other names: c.2650G>A, p.Ala884Thr (NM_001287489.2); c.409G>A, p.Ala137Thr (NM_004802.4, NM_194323.3); c.580G>A, p.Ala194Thr (NM_194322.3); short protein forms A884T, A194T, A137T.
Identifiers: ClinVar variation 48204 (VCV000048204.17), dbSNP rs144594692, ClinGen allele CA142820.
Genomic context (GRCh38, chr2:26,476,917, plus strand): 5'-CCCAGGCCCCCATCCATCCTGCCCCCTCCAGCACCTTAAGGAAGAGCGTCTTGACCTTGG[C>T]GCAGTCCTTGCCAGTCTCCTCCTCCACGATGGAGAAGAGCAGGTCCTTGGAGGGCACACG-3'
Protein context (NP_919224.1, residues 874-894): IVEEETGKDC[Ala884Thr]KVKTLFLKLP